The following is an entry in ClinVar:

NM_001048174.2(MUTYH):c.1366G>A (p.Ala456Thr)

Gene: MUTYH (mutY DNA glycosylase; minus strand). Cytogenetic location: 1p34.1.
Variant type: single nucleotide variant.
Coding change: c.1366G>A on transcript NM_001048174.2 (MANE Select); coding-DNA position 1366, G replaced by A.
Protein change: p.Ala456Thr; replaces alanine 456 with threonine.
Molecular consequence: missense variant. On other transcripts: non-coding transcript variant (2).
Genome position (GRCh38, 1-based): chr1:45,331,208, C>T on the plus strand (G>A on the coding strand, the complement: MUTYH is on the minus strand). VCF-style: chr1-45331208-C-T. GRCh37 (hg19) VCF-style: chr1-45796880-C-T.
Other names: c.1366G>A, p.Ala456Thr (NM_001048171.2, NM_001048173.2, NM_001293195.2); c.1369G>A, p.Ala457Thr (NM_001048172.2); c.1450G>A, p.Ala484Thr (NM_001128425.2); c.1411G>A, p.Ala471Thr (NM_001293190.2); c.1399G>A, p.Ala467Thr (NM_001293191.2); c.1090G>A, p.Ala364Thr (NM_001293192.2, NM_001293196.2); c.1021G>A, p.Ala341Thr (NM_001350650.2, NM_001350651.2); c.1441G>A, p.Ala481Thr (NM_012222.3); short protein forms A484T, A481T, A467T, A471T, A456T, A457T, A341T, A364T.
Identifiers: ClinVar variation 479993 (VCV000479993.22), dbSNP rs1441591597, ClinGen allele CA340132544.

ClinVar aggregate classification (germline): Uncertain significance. Review status: criteria provided, multiple submitters, no conflicts (2 of 4 stars). 4 submissions from 4 submitters: Uncertain significance (4). Last evaluated 2025-11-02.

Conditions:
Hereditary cancer-predisposing syndrome. Also called: Hereditary neoplastic syndrome; Hereditary Cancer Syndrome; Neoplastic Syndromes, Hereditary; Tumor predisposition. Identifiers: Orphanet 140162, MedGen C0027672, MeSH D009386, MONDO:0015356.
Familial adenomatous polyposis 2. Also called: MYH-associated polyposis; COLORECTAL ADENOMATOUS POLYPOSIS, AUTOSOMAL RECESSIVE; ADENOMAS, MULTIPLE COLORECTAL, AUTOSOMAL RECESSIVE; MUTYH-related attenuated familial adenomatous polyposis; Adenomas, multiple colorectal; FAP type 2. Identifiers: Orphanet 220460, Orphanet 247798, MedGen C3272841, MONDO:0012041, OMIM 608456.

Allele frequency attached by ClinVar (database versions not stated): gnomAD exomes below 0.00001 and 0.00001.

Submissions (4):

Labcorp Genetics (formerly Invitae), Labcorp
Classification: Uncertain significance for Familial adenomatous polyposis 2. Last evaluated: 2025-11-02. Review status: criteria provided, single submitter. Criteria: Invitae Variant Classification Sherloc (09022015). Collection method: clinical testing. Allele origin: germline.
Comment: This sequence change replaces alanine, which is neutral and non-polar, with threonine, which is neutral and polar, at codon 484 of the MUTYH protein (p.Ala484Thr). This variant is present in population databases (no rsID available, gnomAD 0.0009%). This variant has not been reported in the literature in individuals affected with MUTYH-related conditions. ClinVar contains an entry for this variant (Variation ID: 479993). An algorithm developed to predict the effect of missense changes on protein structure and function (PolyPhen-2) suggests that this variant is likely to be disruptive. In summary, the available evidence is currently insufficient to determine the role of this variant in disease. Therefore, it has been classified as a Variant of Uncertain Significance.

Ambry Genetics
Classification: Uncertain significance for Hereditary cancer-predisposing syndrome. Last evaluated: 2024-02-20. Review status: criteria provided, single submitter. Criteria: Ambry Variant Classification Scheme 2023. Collection method: clinical testing. Allele origin: germline.
Comment: The p.A484T variant (also known as c.1450G>A), located in coding exon 14 of the MUTYH gene, results from a G to A substitution at nucleotide position 1450. The alanine at codon 484 is replaced by threonine, an amino acid with similar properties. This amino acid position is well conserved in available vertebrate species. In addition, the in silico prediction for this alteration is inconclusive. Since supporting evidence is limited at this time, the clinical significance of this alteration remains unclear.

All of Us Research Program, National Institutes of Health
Classification: Uncertain significance for Familial adenomatous polyposis 2. Last evaluated: 2023-12-01. Review status: criteria provided, single submitter. Criteria: ACMG Guidelines, 2015. Collection method: clinical testing. Allele origin: germline. Inheritance: Autosomal recessive inheritance. Observed: 3 variant alleles, 3 heterozygotes.
Comment: This missense variant replaces alanine with threonine at codon 484 of the MUTYH protein. This variant is also known as c.1408G>A (p.Ala470Thr) based on an alternative transcript, NM_001048171. Computational prediction suggests that this variant may not impact protein structure and function (internally defined REVEL score threshold <= 0.5, PMID: 27666373). To our knowledge, functional studies have not been reported for this variant. This variant has been reported in an individual suspected of having hereditary cancer syndrome (PMID: 25318351) and in an individual affected with breast cancer (PMID: 25186627). This variant has been identified in 1/251490 chromosomes in the general population by the Genome Aggregation Database (gnomAD). The available evidence is insufficient to determine the role of this variant in disease conclusively. Therefore, this variant is classified as a Variant of Uncertain Significance.

This study involves interpretation of variants in research participants for the purpose of population health screening. Participant phenotype was not available at the time of variant classification. Additional details can be found in publication PMID: 35346344, PMCID: PMC8962531

Color Diagnostics, LLC DBA Color Health
Classification: Uncertain significance for Hereditary cancer-predisposing syndrome. Last evaluated: 2023-08-10. Review status: criteria provided, single submitter. Criteria: ACMG Guidelines, 2015. Collection method: clinical testing. Allele origin: germline.
Comment: This missense variant replaces alanine with threonine at codon 484 of the MUTYH protein. This variant is also known as c.1408G>A (p.Ala470Thr) based on an alternative transcript, NM_001048171. Computational prediction suggests that this variant may not impact protein structure and function (internally defined REVEL score threshold <= 0.5, PMID: 27666373). To our knowledge, functional studies have not been reported for this variant. This variant has been reported in an individual suspected of having hereditary cancer syndrome (PMID: 25318351) and in an individual affected with breast cancer (PMID: 25186627). This variant has been identified in 1/251490 chromosomes in the general population by the Genome Aggregation Database (gnomAD). The available evidence is insufficient to determine the role of this variant in disease conclusively. Therefore, this variant is classified as a Variant of Uncertain Significance.

Literature cited by the submitters: PubMed 25186627 (cited by 3 submitters); PubMed 25318351 (cited by 3 submitters).